The following is an entry in ClinVar:

NM_177438.3(DICER1):c.2256+9T>G

Gene: DICER1 (dicer 1, ribonuclease III; minus strand). Cytogenetic location: 14q32.13.
Variant type: single nucleotide variant.
Coding change: c.2256+9T>G on transcript NM_177438.3 (MANE Select); 9 bases into the intron after coding-DNA position 2256, T replaced by G.
Molecular consequence: intron variant. On other transcripts: missense variant (1).
Genome position (GRCh38, 1-based): chr14:95,111,308, A>C on the plus strand (T>G on the coding strand, the complement: DICER1 is on the minus strand). VCF-style: chr14-95111308-A-C. GRCh37 (hg19) VCF-style: chr14-95577645-A-C.
Other names: c.1860T>G, p.Ile620Met (NM_001395698.1); c.2256+9T>G (NM_001291628.2, NM_030621.4, NM_001395677.1 and 12 more transcripts); c.1851+9T>G (NM_001395690.1, NM_001395687.1, NM_001395689.1 and 2 more transcripts); c.1974+9T>G (NM_001395686.1); c.1689+9T>G (NM_001395691.1); c.573+9T>G (NM_001395697.1); short protein forms I620M.
Identifiers: ClinVar variation 2854189 (VCV002854189.3), dbSNP rs759007343, ClinGen allele CA7331285.

ClinVar aggregate classification (germline): Uncertain significance (1 of 4 stars; one submission).

Conditions:
DICER1-related tumor predisposition. Also called: DICER1-related pleuropulmonary blastoma cancer predisposition syndrome; DICER1 syndrome. Identifiers: Orphanet 284343, MedGen C3839822, MONDO:0100216.

Allele frequency attached by ClinVar (database versions not stated): gnomAD exomes below 0.00001; ExAC 0.00001.
gnomAD v4.1: 1 of 1,614,164 alleles (0.000062%); highest among the groups gnomAD compares: Admixed American, 0.0017%; no homozygotes.

Submission:

Labcorp Genetics (formerly Invitae), Labcorp
Classification: Uncertain significance for DICER1-related tumor predisposition. Last evaluated: 2023-04-09. Review status: criteria provided, single submitter. Criteria: Invitae Variant Classification Sherloc (09022015). Collection method: clinical testing. Allele origin: germline.
Comment: In summary, the available evidence is currently insufficient to determine the role of this variant in disease. Therefore, it has been classified as a Variant of Uncertain Significance. Algorithms developed to predict the effect of sequence changes on RNA splicing suggest that this variant may create or strengthen a splice site. This variant has not been reported in the literature in individuals affected with DICER1-related conditions. This variant is present in population databases (rs759007343, gnomAD 0.003%). This sequence change falls in intron 14 of the DICER1 gene. It does not directly change the encoded amino acid sequence of the DICER1 protein.